The following is an entry in ClinVar:

ClinVar aggregate classification (germline): Uncertain significance (1 of 4 stars; one submission).

Submission:

GeneDx
Classification: Uncertain significance. Last evaluated: 2026-04-03. Review status: criteria provided, single submitter. Criteria: GeneDx Variant Classification Process June 2021. Collection method: clinical testing. Allele origin: germline.
Comment: Not observed at significant frequency in large population cohorts (gnomAD); In silico analysis suggests that this missense variant does not alter protein structure/function; Has not been previously published as pathogenic or benign to our knowledge

NM_003412.4(ZIC1):c.1192A>G (p.Ser398Gly)

Gene: ZIC1 (Zic family zinc finger 1; plus strand). Cytogenetic location: 3q24.
Variant type: single nucleotide variant.
Coding change: c.1192A>G on transcript NM_003412.4 (MANE Select); coding-DNA position 1192, A replaced by G.
Protein change: p.Ser398Gly; replaces serine 398 with glycine.
Molecular consequence: missense variant.
Genome position (GRCh38, 1-based): chr3:147,413,399, A>G. VCF-style: chr3-147413399-A-G. GRCh37 (hg19) VCF-style: chr3-147131186-A-G.
Other names: short protein forms S398G.
Identifiers: ClinVar variation 5017702 (VCV005017702.1).